The following is an entry in ClinVar:

ClinVar aggregate classification (germline): Uncertain significance (1 of 4 stars; one submission).

Conditions:
Autosomal dominant nonsyndromic hearing loss 65. Also called: Deafness, autosomal dominant 65; TBC1D24-Related Autosomal Dominant Nonsyndromic Hearing Loss (DFNA). Identifiers: Orphanet 90635, MedGen C3892048, MONDO:0014470, OMIM 616044.
Developmental and epileptic encephalopathy, 1 (DEE1). Also called: INFANTILE SPASM SYNDROME, X-LINKED 1; X-linked infantile spasms; West's syndrome; Tonic spasms with clustering, arrest of psychomotor development and hypsarrhythmia on EEG; X-Linked Infantile Spasm Syndrome; OHTAHARA SYNDROME, X-LINKED. Identifiers: MedGen C3463992, MONDO:0010632, OMIM 308350. Disease mechanism: loss of function.

Submission:

Labcorp Genetics (formerly Invitae), Labcorp
Classification: Uncertain significance for Developmental and epileptic encephalopathy, 1; Autosomal dominant nonsyndromic hearing loss 65. Last evaluated: 2023-03-20. Review status: criteria provided, single submitter. Criteria: Invitae Variant Classification Sherloc (09022015). Collection method: clinical testing. Allele origin: germline.
Comment: This sequence change replaces cysteine, which is neutral and slightly polar, with arginine, which is basic and polar, at codon 180 of the TBC1D24 protein (p.Cys180Arg). This variant is not present in population databases (gnomAD no frequency). This variant has not been reported in the literature in individuals affected with TBC1D24-related conditions. Advanced modeling of protein sequence and biophysical properties (such as structural, functional, and spatial information, amino acid conservation, physicochemical variation, residue mobility, and thermodynamic stability) performed at Invitae indicates that this missense variant is not expected to disrupt TBC1D24 protein function. In summary, the available evidence is currently insufficient to determine the role of this variant in disease. Therefore, it has been classified as a Variant of Uncertain Significance.

NM_001199107.2(TBC1D24):c.538T>C (p.Cys180Arg)

Gene: TBC1D24 (TBC1 domain family member 24; plus strand). Cytogenetic location: 16p13.3.
Variant type: single nucleotide variant.
Coding change: c.538T>C on transcript NM_001199107.2 (MANE Select); coding-DNA position 538, T replaced by C.
Protein change: p.Cys180Arg; replaces cysteine 180 with arginine.
Molecular consequence: missense variant.
Genome position (GRCh38, 1-based): chr16:2,496,686, T>C. VCF-style: chr16-2496686-T-C. GRCh37 (hg19) VCF-style: chr16-2546687-T-C.
Other names: c.538T>C, p.Cys180Arg (NM_020705.3); short protein forms C180R.
Identifiers: ClinVar variation 2945566 (VCV002945566.3), dbSNP rs2505514565, ClinGen allele CA394376453.
Genomic context (GRCh38, chr16:2,496,686, plus strand): 5'-GCCTGCAATGACCCCGGCAGGAGGCTGATCGACCAGAGCTTCCTGGCCTTTGAGTCGTCC[T>C]GCATGACGTTTGGGGACCTGGTGAACAAGTACTGCCAGGCGGCCCACAAGCTGATGGTGG-3'
Protein context (NP_001186036.1, residues 170-190): DQSFLAFESS[Cys180Arg]MTFGDLVNKY